The following is an entry in ClinVar:

ClinVar aggregate classification (germline): Uncertain significance (1 of 4 stars; one submission).

Allele frequency attached by ClinVar (database versions not stated): gnomAD exomes 0.00001 and below 0.00001; TOPMed 0.00001; ExAC 0.00002; gnomAD 0.00003.
gnomAD v4.1: 7 of 1,614,018 alleles (0.00043%); highest among the groups gnomAD compares: African/African-American, 0.0093%; no homozygotes.

Submission:

GeneDx
Classification: Uncertain significance. Last evaluated: 2015-07-01. Review status: criteria provided, single submitter. Criteria: GeneDx Variant Classification (06012015). Collection method: clinical testing. Allele origin: germline. Affected: yes.
Comment: The G162R variant has not been published as pathogenic, nor has it been reported as a benign polymorphism to our knowledge. It was not observed in approximately 6,500 individuals of European and African American ancestry in the NHLBI Exome Sequencing Project, indicating it is not a common benign variant in these populations. The G162R variant is a non-conservative amino acid substitution, which is likely to impact secondary protein structure as these residues differ in polarity, charge, size and/or other properties. However, this substitution occurs at a position that is not conserved, and in silico analysis predicts this variant likely does not alter the protein structure/function. Additionally, missense variants in nearby residues have not been reported in the Human Gene Mutation Database in association with CMT4H (Stenson et al., 2014). Therefore, based on the currently available information, it is unclear whether this variant is a pathogenic or a rare benign variant.

NM_001370298.3(FGD4):c.895G>C (p.Gly299Arg)

Gene: FGD4 (FYVE, RhoGEF and PH domain containing 4; plus strand). Cytogenetic location: 12p11.21.
Variant type: single nucleotide variant.
Coding change: c.895G>C on transcript NM_001370298.3 (MANE Select); coding-DNA position 895, G replaced by C.
Protein change: p.Gly299Arg; replaces glycine 299 with arginine.
Molecular consequence: missense variant. On other transcripts: 5 prime UTR variant (2), non-coding transcript variant (1), intron variant (1).
Genome position (GRCh38, 1-based): chr12:32,582,351, G>C. VCF-style: chr12-32582351-G-C. GRCh37 (hg19) VCF-style: chr12-32735285-G-C.
Other names: c.739G>C, p.Gly247Arg (NM_001304481.2); c.-361G>C (NM_001304483.2); c.-668G>C (NM_001304484.2); c.205G>C, p.Gly69Arg (NM_001330373.2, NM_001330374.2, NM_001384130.1); c.895G>C, p.Gly299Arg (NM_001384126.1); c.484G>C, p.Gly162Arg (NM_001384127.1, NM_001384128.1, NM_001384131.1 and 3 more transcripts); c.49-16146G>C (NM_001370297.1); short protein forms G162R, G247R, G69R, G299R.
Identifiers: ClinVar variation 245808 (VCV000245808.2), dbSNP rs774679169, ClinGen allele CA6506640.